The following is an entry in ClinVar:

ClinVar aggregate classification (germline): Uncertain significance. Review status: criteria provided, multiple submitters, no conflicts (2 of 4 stars). 2 submissions from 2 submitters: Uncertain significance (2). Last evaluated 2025-02-11.

Conditions:
Congenital myotonia, autosomal recessive form. Also called: Becker Generalized Myotonia; BECKER DISEASE; myotonia congenita, autosomal recessive. Identifiers: Orphanet 614, MedGen C0751360, MONDO:0009715, OMIM 255700.
Congenital myotonia, autosomal dominant form (THD). Also called: THOMSEN DISEASE; Myotonia congenita autosomal dominant. Identifiers: Orphanet 614, MedGen C2936781, MONDO:0008055, OMIM 160800.

Allele frequency attached by ClinVar (database versions not stated): gnomAD 0.00002; TOPMed 0.00002.
gnomAD v4.1: 13 of 1,612,720 alleles (0.00081%); highest among the groups gnomAD compares: Admixed American, 0.01%; no homozygotes.

Submissions (2):

Labcorp Genetics (formerly Invitae), Labcorp
Classification: Uncertain significance for Congenital myotonia, autosomal recessive form; Congenital myotonia, autosomal dominant form. Last evaluated: 2025-02-11. Review status: criteria provided, single submitter. Criteria: Invitae Variant Classification Sherloc (09022015). Collection method: clinical testing. Allele origin: germline.
Comment: This sequence change replaces tyrosine, which is neutral and polar, with phenylalanine, which is neutral and non-polar, at codon 517 of the CLCN1 protein (p.Tyr517Phe). This variant is present in population databases (rs755182969, gnomAD 0.009%). This variant has not been reported in the literature in individuals affected with CLCN1-related conditions. ClinVar contains an entry for this variant (Variation ID: 2440102). Invitae Evidence Modeling of protein sequence and biophysical properties (such as structural, functional, and spatial information, amino acid conservation, physicochemical variation, residue mobility, and thermodynamic stability) has been performed for this missense variant. However, the output from this modeling did not meet the statistical confidence thresholds required to predict the impact of this variant on CLCN1 protein function. In summary, the available evidence is currently insufficient to determine the role of this variant in disease. Therefore, it has been classified as a Variant of Uncertain Significance.

Revvity Omics, Revvity
Classification: Uncertain significance. Last evaluated: 2023-04-24. Review status: criteria provided, single submitter. Criteria: ACMG Guidelines, 2015. Collection method: clinical testing. Allele origin: germline.

NM_000083.3(CLCN1):c.1550A>T (p.Tyr517Phe)

Gene: CLCN1 (chloride voltage-gated channel 1; plus strand). Cytogenetic location: 7q34.
Variant type: single nucleotide variant.
Coding change: c.1550A>T on transcript NM_000083.3 (MANE Select); coding-DNA position 1550, A replaced by T.
Protein change: p.Tyr517Phe; replaces tyrosine 517 with phenylalanine.
Molecular consequence: missense variant. On other transcripts: non-coding transcript variant (1).
Genome position (GRCh38, 1-based): chr7:143,339,589, A>T. VCF-style: chr7-143339589-A-T. GRCh37 (hg19) VCF-style: chr7-143036682-A-T.
Other names: short protein forms Y517F.
Identifiers: ClinVar variation 2440102 (VCV002440102.5), dbSNP rs755182969, ClinGen allele CA4537416.